The following is an entry in ClinVar:

NM_052947.4(ALPK2):c.5553G>T (p.Lys1851Asn)

Gene: ALPK2 (alpha kinase 2; minus strand). Cytogenetic location: 18q21.31.
Variant type: single nucleotide variant.
Coding change: c.5553G>T on transcript NM_052947.4 (MANE Select); coding-DNA position 5553, G replaced by T.
Protein change: p.Lys1851Asn; replaces lysine 1851 with asparagine.
Molecular consequence: missense variant.
Genome position (GRCh38, 1-based): chr18:58,524,011, C>A on the plus strand (G>T on the coding strand, the complement: ALPK2 is on the minus strand). VCF-style: chr18-58524011-C-A. GRCh37 (hg19) VCF-style: chr18-56191243-C-A.
Other names: short protein forms K1851N.
Identifiers: ClinVar variation 1748249 (VCV001748249.2), dbSNP rs2518866893, ClinGen allele CA402551652.

ClinVar aggregate classification (germline): Uncertain significance (1 of 4 stars; one submission).

Submission:

Ambry Genetics
Classification: Uncertain significance. Last evaluated: 2023-12-01. Review status: criteria provided, single submitter. Criteria: Ambry Variant Classification Scheme 2023. Collection method: clinical testing. Allele origin: germline.
Comment: The p.K1851N variant (also known as c.5553G>T), located in coding exon 6 of the ALPK2 gene, results from a G to T substitution at nucleotide position 5553. The lysine at codon 1851 is replaced by asparagine, an amino acid with similar properties. This amino acid position is conserved. In addition, this alteration is predicted to be tolerated by in silico analysis. Since supporting evidence is limited at this time, the clinical significance of this alteration remains unclear.